The following is an entry in ClinVar:

NM_001330723.2(SNX27):c.828G>C (p.Glu276Asp)

Gene: SNX27 (sorting nexin 27; plus strand). Cytogenetic location: 1q21.3.
Variant type: single nucleotide variant.
Coding change: c.828G>C on transcript NM_001330723.2 (MANE Select); coding-DNA position 828, G replaced by C.
Protein change: p.Glu276Asp; replaces glutamic acid 276 with aspartic acid.
Molecular consequence: missense variant.
Genome position (GRCh38, 1-based): chr1:151,662,192, G>C. VCF-style: chr1-151662192-G-C. GRCh37 (hg19) VCF-style: chr1-151634668-G-C.
Other names: c.828G>C, p.Glu276Asp (NM_030918.6); short protein forms E276D.
Identifiers: ClinVar variation 1022710 (VCV001022710.9), dbSNP rs1669991535, ClinGen allele CA341961751.
Genomic context (GRCh38, chr1:151,662,192, plus strand): 5'-GCCATAAATTATTTCTCTATGTCTTTTCCCCCAGAACTACAATGGTGTGTCCGACGTAGA[G>C]CTGAGAGTAGCATTACCAGATGGAACAACGGTTACAGTCAGGGTTAAAAAGAACAGTACT-3'
Protein context (NP_001317652.1, residues 266-286): DENYNGVSDV[Glu276Asp]LRVALPDGTT

ClinVar aggregate classification (germline): Uncertain significance (1 of 4 stars; one submission).

Conditions:
Severe myoclonic epilepsy in infancy (DRVT). Also called: Dravet syndrome; SEVERE MYOCLONIC EPILEPSY OF INFANCY; Epileptic encephalopathy, early infantile, 6 (Dravet syndrome); DEVELOPMENTAL AND EPILEPTIC ENCEPHALOPATHY 6A; Severe Myoclonic Epilepsy in Infancy (SMEI). Identifiers: Orphanet 33069, MedGen C0751122, MONDO:0100135, OMIM 607208.

gnomAD v4.1: 1 of 1,613,626 alleles (0.000062%); highest among the groups gnomAD compares: Non-Finnish European, 0.000085%; no homozygotes.

Submission:

Labcorp Genetics (formerly Invitae), Labcorp
Classification: Uncertain significance for Severe myoclonic epilepsy in infancy. Last evaluated: 2020-12-28. Review status: criteria provided, single submitter. Criteria: Invitae Variant Classification Sherloc (09022015). Collection method: clinical testing. Allele origin: germline.
Comment: In summary, the available evidence is currently insufficient to determine the role of this variant in disease. Therefore, it has been classified as a Variant of Uncertain Significance. Algorithms developed to predict the effect of missense changes on protein structure and function are either unavailable or do not agree on the potential impact of this missense change (SIFT: "Deleterious"; PolyPhen-2: "Benign"; Align-GVGD: "Class C35"). This variant has not been reported in the literature in individuals with SNX27-related conditions. This variant is not present in population databases (ExAC no frequency). This sequence change replaces glutamic acid with aspartic acid at codon 276 of the SNX27 protein (p.Glu276Asp). The glutamic acid residue is highly conserved and there is a small physicochemical difference between glutamic acid and aspartic acid.